The following is an entry in ClinVar:

ClinVar aggregate classification (germline): Uncertain significance (1 of 4 stars; one submission).

Submission:

Ambry Genetics
Classification: Uncertain significance. Last evaluated: 2024-09-02. Review status: criteria provided, single submitter. Criteria: Ambry Variant Classification Scheme 2023. Collection method: clinical testing. Allele origin: germline.
Comment: The p.L406F variant (also known as c.1216C>T), located in coding exon 9 of the RINT1 gene, results from a C to T substitution at nucleotide position 1216. The leucine at codon 406 is replaced by phenylalanine, an amino acid with highly similar properties. This amino acid position is conserved. In addition, the in silico prediction for this alteration is inconclusive. Since supporting evidence is limited at this time, the clinical significance of this alteration remains unclear.

NM_021930.6(RINT1):c.1216C>T (p.Leu406Phe)

Gene: RINT1 (RAD50 interactor 1; plus strand). Cytogenetic location: 7q22.3.
Variant type: single nucleotide variant.
Coding change: c.1216C>T on transcript NM_021930.6 (MANE Select); coding-DNA position 1216, C replaced by T.
Protein change: p.Leu406Phe; replaces leucine 406 with phenylalanine.
Molecular consequence: missense variant. On other transcripts: non-coding transcript variant (1).
Genome position (GRCh38, 1-based): chr7:105,550,369, C>T. VCF-style: chr7-105550369-C-T. GRCh37 (hg19) VCF-style: chr7-105190816-C-T.
Other names: c.982C>T, p.Leu328Phe (NM_001346599.2); c.193C>T, p.Leu65Phe (NM_001346600.2, NM_001346603.2); c.292C>T, p.Leu98Phe (NM_001346601.2); short protein forms L328F, L98F, L406F, L65F.
Identifiers: ClinVar variation 1751684 (VCV001751684.3), dbSNP rs761628779, ClinGen allele CA368809211.